The following is an entry in ClinVar:

NM_000478.6(ALPL):c.608_609delinsTT (p.Asp203Val)

Gene: ALPL (alkaline phosphatase, biomineralization associated; plus strand). Cytogenetic location: 1p36.12.
Variant type: Indel.
Coding change: c.608_609delinsTT on transcript NM_000478.6 (MANE Select); coding-DNA positions 608 to 609, AC replaced by TT.
Protein change: p.Asp203Val; replaces aspartic acid 203 with valine.
Molecular consequence: missense variant.
Genome position (GRCh38, 1-based): chr1:21,564,176-21,564,177, AC replaced by TT. VCF-style: chr1-21564176-AC-TT. GRCh37 (hg19) VCF-style: chr1-21890669-AC-TT.
Other names: c.443_444delinsTT, p.Asp148Val (NM_001127501.4); c.377_378delinsTT, p.Asp126Val (NM_001177520.3); c.608_609delinsTT, p.Asp203Val (NM_001369803.2, NM_001369804.2, NM_001369805.2); short protein forms D126V, D148V, D203V.
Identifiers: ClinVar variation 2850248 (VCV002850248.3), dbSNP rs2545304313, ClinGen allele CA2739272370.

ClinVar aggregate classification (germline): Uncertain significance (1 of 4 stars; one submission).

Submission:

Labcorp Genetics (formerly Invitae), Labcorp
Classification: Uncertain significance. Last evaluated: 2024-02-19. Review status: criteria provided, single submitter. Criteria: Invitae Variant Classification Sherloc (09022015). Collection method: clinical testing. Allele origin: germline.
Comment: This sequence change replaces aspartic acid, which is acidic and polar, with valine, which is neutral and non-polar, at codon 203 of the ALPL protein (p.Asp203Val). Information on the frequency of this variant in the gnomAD database is not available, as this variant may be reported differently in the database. This variant has not been reported in the literature in individuals affected with ALPL-related conditions. An algorithm developed to predict the effect of missense changes on protein structure and function (PolyPhen-2) suggests that this variant is likely to be disruptive. In summary, the available evidence is currently insufficient to determine the role of this variant in disease. Therefore, it has been classified as a Variant of Uncertain Significance.